The following is an entry in ClinVar:

ClinVar aggregate classification (germline): Uncertain significance (1 of 4 stars; one submission).

Conditions:
Lipoic acid synthetase deficiency. Also called: HYPERGLYCINEMIA, LACTIC ACIDOSIS, AND SEIZURES. Identifiers: Orphanet 401859, MedGen C3280887, MONDO:0013762, OMIM 614462.

Allele frequency attached by ClinVar (database versions not stated): TOPMed below 0.00001; ExAC 0.00001; gnomAD 0.00001; gnomAD exomes 0.00001 and 0.00002.
gnomAD v4.1: 16 of 1,608,256 alleles (0.00099%); highest among the groups gnomAD compares: Non-Finnish European, 0.0014%; no homozygotes.

Submission:

Labcorp Genetics (formerly Invitae), Labcorp
Classification: Uncertain significance for Lipoic acid synthetase deficiency. Last evaluated: 2022-08-09. Review status: criteria provided, single submitter. Criteria: Invitae Variant Classification Sherloc (09022015). Collection method: clinical testing. Allele origin: germline.
Comment: This sequence change replaces arginine, which is basic and polar, with cysteine, which is neutral and slightly polar, at codon 350 of the LIAS protein (p.Arg350Cys). This variant is present in population databases (rs760106768, gnomAD 0.003%). This variant has not been reported in the literature in individuals affected with LIAS-related conditions. ClinVar contains an entry for this variant (Variation ID: 1439249). Algorithms developed to predict the effect of missense changes on protein structure and function (SIFT, PolyPhen-2, Align-GVGD) all suggest that this variant is likely to be disruptive. In summary, the available evidence is currently insufficient to determine the role of this variant in disease. Therefore, it has been classified as a Variant of Uncertain Significance.

NM_006859.4(LIAS):c.1048C>T (p.Arg350Cys)

Gene: LIAS (lipoic acid synthetase; plus strand). Cytogenetic location: 4p14.
Variant type: single nucleotide variant.
Coding change: c.1048C>T on transcript NM_006859.4 (MANE Select); coding-DNA position 1048, C replaced by T.
Protein change: p.Arg350Cys; replaces arginine 350 with cysteine.
Molecular consequence: missense variant. On other transcripts: intron variant (1).
Genome position (GRCh38, 1-based): chr4:39,473,193, C>T. VCF-style: chr4-39473193-C-T. GRCh37 (hg19) VCF-style: chr4-39474813-C-T.
Other names: c.919C>T, p.Arg307Cys (NM_001278590.2); c.739C>T, p.Arg247Cys (NM_001363700.2); c.954+1887C>T (NM_194451.3); short protein forms R247C, R307C, R350C.
Identifiers: ClinVar variation 1439249 (VCV001439249.5), dbSNP rs760106768, ClinGen allele CA2894848.